The following is an entry in ClinVar:

ClinVar aggregate classification (germline): Pathogenic (1 of 4 stars; one submission).

Conditions:
Cystic fibrosis (CF). Also called: MUCOVISCIDOSIS. Identifiers: Orphanet 586, MedGen C0010674, MONDO:0009061, OMIM 219700. Disease mechanism: loss of function.

Submission:

Labcorp Genetics (formerly Invitae), Labcorp
Classification: Pathogenic for Cystic fibrosis. Last evaluated: 2023-04-12. Review status: criteria provided, single submitter. Criteria: Invitae Variant Classification Sherloc (09022015). Collection method: clinical testing. Allele origin: germline.
Comment: For these reasons, this variant has been classified as Pathogenic. This variant has not been reported in the literature in individuals affected with CFTR-related conditions. This variant is not present in population databases (gnomAD no frequency). This sequence change creates a premature translational stop signal (p.Ser1118Hisfs*37) in the CFTR gene. It is expected to result in an absent or disrupted protein product. Loss-of-function variants in CFTR are known to be pathogenic (PMID: 1695717, 7691345, 9725922).

Literature cited by the submitters: PubMed 1695717; PubMed 7691345; PubMed 9725922.

NM_000492.4(CFTR):c.3351_3352del (p.Ser1118fs)

Genes: CFTR (CF transmembrane conductance regulator; plus strand), CFTR-AS2 (CFTR antisense RNA 2; minus strand), LOC111674472 (DNase I hypersensitive sites in introns 16 and 17a of CFTR; plus strand). Cytogenetic location: 7q31.2.
Variant type: Deletion.
Coding change: c.3351_3352del on transcript NM_000492.4 (MANE Select); coding-DNA positions 3351 to 3352, 2 bases deleted (TT; older notation c.3351_3352delTT).
Protein change: p.Ser1118fs; shifts the reading frame from serine 1118.
Molecular consequence: frameshift variant.
Genome position (GRCh38, 1-based): chr7:117,611,792-117,611,793, TT deleted; deleting any 2 consecutive bases within chr7:117,611,791-117,611,793 gives the same sequence; the c. name uses the placement nearest the transcript's 3' end. VCF-style (leftmost placement, unchanged base first): chr7-117611790-ATT-A. GRCh37 (hg19) VCF-style: chr7-117251844-ATT-A.
Other names: short protein forms S1118fs.
Identifiers: ClinVar variation 2855762 (VCV002855762.3), dbSNP rs2485130667, ClinGen allele CA2739279038.